The following is an entry in ClinVar:

NM_005481.3(MED16):c.1635C>T (p.Cys545=)

Gene: MED16 (mediator complex subunit 16; minus strand). Cytogenetic location: 19p13.3.
Variant type: single nucleotide variant.
Coding change: c.1635C>T on transcript NM_005481.3 (MANE Select); coding-DNA position 1635, C replaced by T.
Protein change: p.Cys545=; no amino-acid change (cysteine 545 retained).
Molecular consequence: synonymous variant.
Genome position (GRCh38, 1-based): chr19:875,380, G>A on the plus strand (C>T on the coding strand, the complement: MED16 is on the minus strand). VCF-style: chr19-875380-G-A. GRCh37 (hg19) VCF-style: chr19-875380-G-A.
Identifiers: ClinVar variation 5038526 (VCV005038526.1).

ClinVar aggregate classification (germline): Benign (1 of 4 stars; one submission).

gnomAD v4.1: 15,489 of 1,609,172 alleles (0.96%); highest among the groups gnomAD compares: Middle Eastern, 1.4%; 97 homozygotes.

Submission:

CeGaT Center for Human Genetics Tuebingen
Classification: Benign. Last evaluated: 2026-07-01. Review status: criteria provided, single submitter. Criteria: CeGaT Center For Human Genetics Tuebingen Variant Classification Criteria Version 2. Collection method: clinical testing. Allele origin: germline. Affected: yes. Observed: 1 variant allele.
Comment: MED16: BP4, BP7, BS1, BS2